The following is an entry in ClinVar:

NM_003072.5(SMARCA4):c.860-4C>T

Gene: SMARCA4 (SWI/SNF related BAF chromatin remodeling complex subunit ATPase 4; plus strand). Cytogenetic location: 19p13.2.
Variant type: single nucleotide variant.
Coding change: c.860-4C>T on transcript NM_003072.5 (MANE Select); 4 bases into the intron before coding-DNA position 860, C replaced by T.
Molecular consequence: intron variant.
Genome position (GRCh38, 1-based): chr19:10,987,662, C>T. VCF-style: chr19-10987662-C-T. GRCh37 (hg19) VCF-style: chr19-11098338-C-T.
Other names: c.860-4C>T (NM_001128844.3, NM_001128849.3, NM_001128847.4 and 5 more transcripts).
Identifiers: ClinVar variation 484929 (VCV000484929.14), dbSNP rs1555754744, ClinGen allele CA658656757.

ClinVar aggregate classification (germline): Conflicting classifications of pathogenicity. Review status: criteria provided, conflicting classifications (1 of 4 stars). 3 submissions from 3 submitters: Uncertain significance (1); Likely benign (2). Last evaluated 2026-07-06.

Conditions:
Hereditary cancer-predisposing syndrome. Also called: Tumor predisposition; Neoplastic Syndromes, Hereditary; Hereditary Cancer Syndrome; Hereditary neoplastic syndrome. Identifiers: Orphanet 140162, MedGen C0027672, MeSH D009386, MONDO:0015356.
Rhabdoid tumor predisposition syndrome 2 (RTPS2). Identifiers: Orphanet 231108, Orphanet 69077, MedGen C2750074, MONDO:0013224, OMIM 613325.

Submissions (3):

Myriad Genetics, Inc.
Classification: Likely benign for Rhabdoid tumor predisposition syndrome 2. Last evaluated: 2026-07-06. Review status: criteria provided, single submitter. Criteria: Myriad Autosomal Dominant, Autosomal Recessive and X-Linked Classification Criteria (2023). Collection method: clinical testing. Allele origin: unknown.
Comment: This variant is considered likely benign. This variant is intronic and is not expected to impact mRNA splicing.

Labcorp Genetics (formerly Invitae), Labcorp
Classification: Likely benign for Rhabdoid tumor predisposition syndrome 2. Last evaluated: 2023-11-13. Review status: criteria provided, single submitter. Criteria: Invitae Variant Classification Sherloc (09022015). Collection method: clinical testing. Allele origin: germline.

Ambry Genetics
Classification: Uncertain significance for Hereditary cancer-predisposing syndrome. Last evaluated: 2020-11-13. Review status: criteria provided, single submitter. Criteria: Ambry Variant Classification Scheme 2023. Collection method: clinical testing. Allele origin: germline.
Comment: The c.860-4C>T intronic variant results from a C to T substitution 4 nucleotides upstream from coding exon 5 in the SMARCA4 gene. This nucleotide position is well conserved in available vertebrate species. In silico splice site analysis predicts that this alteration will not have any significant effect on splicing. Since supporting evidence is limited at this time, the clinical significance of this alteration remains unclear.